The following is an entry in ClinVar:

NC_000023.11:g.71366352C>G

Gene: TAF1 (TATA-box binding protein associated factor 1; plus strand). Cytogenetic location: Xq13.1.
Variant type: single nucleotide variant.
Genome position: GRCh38 VCF-style: chrX-71366352-C-G. GRCh37 (hg19) VCF-style: chrX-70586202-C-G.
Identifiers: ClinVar variation 1708641 (VCV001708641.5), dbSNP rs747589945, ClinGen allele CA413502344.

ClinVar aggregate classification (germline): Uncertain significance. Review status: criteria provided, multiple submitters, no conflicts (2 of 4 stars). 2 submissions from 2 submitters: Uncertain significance (2). Last evaluated 2025-12-23.

Allele frequency attached by ClinVar (database versions not stated): TOPMed below 0.00001.

Submissions (2):

GeneDx
Classification: Uncertain significance. Last evaluated: 2025-12-23. Review status: criteria provided, single submitter. Criteria: GeneDx Variant Classification Process June 2021. Collection method: clinical testing. Allele origin: germline. Affected: yes.
Comment: Not observed at significant frequency in large population cohorts (gnomAD); In silico analysis supports a deleterious effect on splicing; In silico analysis suggests that this missense variant does not alter protein structure/function; Has not been previously published as pathogenic or benign to our knowledge

Labcorp Genetics (formerly Invitae), Labcorp
Classification: Uncertain significance. Last evaluated: 2024-04-09. Review status: criteria provided, single submitter. Criteria: Invitae Variant Classification Sherloc (09022015). Collection method: clinical testing. Allele origin: germline.
Comment: This sequence change replaces alanine, which is neutral and non-polar, with glycine, which is neutral and non-polar, at codon 13 of the TAF1 protein (p.Ala13Gly). This variant is not present in population databases (gnomAD no frequency). This variant has not been reported in the literature in individuals affected with TAF1-related conditions. ClinVar contains an entry for this variant (Variation ID: 1708641). Algorithms developed to predict the effect of missense changes on protein structure and function output the following: SIFT: "Not Available"; PolyPhen-2: "Benign"; Align-GVGD: "Not Available". The glycine amino acid residue is found in multiple mammalian species, which suggests that this missense change does not adversely affect protein function. In summary, the available evidence is currently insufficient to determine the role of this variant in disease. Therefore, it has been classified as a Variant of Uncertain Significance.